The following is an entry in ClinVar:

ClinVar aggregate classification (germline): Uncertain significance (1 of 4 stars; one submission).

Submission:

GeneDx
Classification: Uncertain significance. Last evaluated: 2026-02-21. Review status: criteria provided, single submitter. Criteria: GeneDx Variant Classification Process June 2021. Collection method: clinical testing. Allele origin: germline.
Comment: Not observed at significant frequency in large population cohorts (gnomAD); In silico analysis supports that this missense variant has a deleterious effect on protein structure/function; Has not been previously published as pathogenic or benign to our knowledge

NM_001378414.1(HDAC4):c.2530T>G (p.Trp844Gly)

Gene: HDAC4 (histone deacetylase 4; minus strand). Cytogenetic location: 2q37.3.
Variant type: single nucleotide variant.
Coding change: c.2530T>G on transcript NM_001378414.1 (MANE Select); coding-DNA position 2530, T replaced by G.
Protein change: p.Trp844Gly; replaces tryptophan 844 with glycine.
Molecular consequence: missense variant.
Genome position (GRCh38, 1-based): chr2:239,084,157, A>C on the plus strand (T>G on the coding strand, the complement: HDAC4 is on the minus strand). VCF-style: chr2-239084157-A-C. GRCh37 (hg19) VCF-style: chr2-240005853-A-C.
Other names: c.2530T>G, p.Trp844Gly (NM_001378415.1); c.2515T>G, p.Trp839Gly (NM_001378416.1, NM_001378417.1, NM_006037.4); c.2449T>G, p.Trp817Gly (NM_001435991.1, NM_001435992.1); c.2371T>G, p.Trp791Gly (NM_001435993.1); short protein forms W791G, W839G, W844G, W817G.
Identifiers: ClinVar variation 5009714 (VCV005009714.1).
Genomic context (GRCh38, chr2:239,084,157, plus strand): 5'-CGCTCGGGGACGGCAAAGGAGCAACCTGAGCTGCGCTGGCCAAGGCGGCTCTGCTTACCC[A>C]GTCCACGATGAGGATCTTGCTCACGCTCAACCTCTGCTGCAGAAGCTTGGCTGCCACGGC-3'
Protein context (NP_001365343.1, residues 834-854): LSVSKILIVD[Trp844Gly]DVHHGNGTQQ